The following is an entry in ClinVar:

NM_024675.4(PALB2):c.12T>A (p.Pro4=)

Gene: PALB2 (partner and localizer of BRCA2; minus strand). Cytogenetic location: 16p12.2.
Variant type: single nucleotide variant.
Coding change: c.12T>A on transcript NM_024675.4 (MANE Select); coding-DNA position 12, T replaced by A.
Protein change: p.Pro4=; no amino-acid change (proline 4 retained).
Molecular consequence: synonymous variant. On other transcripts: 5 prime UTR variant (10).
Genome position (GRCh38, 1-based): chr16:23,641,146, A>T on the plus strand (T>A on the coding strand, the complement: PALB2 is on the minus strand). VCF-style: chr16-23641146-A-T. GRCh37 (hg19) VCF-style: chr16-23652467-A-T.
Other names: c.12T>A, p.Pro4= (NM_001407296.1, NM_001407297.1, NM_001407298.1 and 5 more transcripts); c.-1732T>A (NM_001407304.1, NM_001407310.1); c.-1008T>A (NM_001407305.1, NM_001407307.1, NM_001407309.1 and 1 more transcripts); c.-857T>A (NM_001407306.1, NM_001407308.1); c.-141T>A (NM_001407312.1, NM_001407313.1).
Identifiers: ClinVar variation 3904491 (VCV003904491.1).

ClinVar aggregate classification (germline): Benign (1 of 4 stars; one submission).

Conditions:
Familial cancer of breast. Also called: Hereditary breast cancer; hereditary breast carcinoma; BREAST CANCER, FAMILIAL. Identifiers: Orphanet 227535, MedGen C0346153, MONDO:0016419, OMIM 114480. Disease mechanism: loss of function.

Submission:

Myriad Genetics, Inc.
Classification: Benign for Familial cancer of breast. Last evaluated: 2025-01-09. Review status: criteria provided, single submitter. Criteria: Myriad Autosomal Dominant, Autosomal Recessive and X-Linked Classification Criteria (2023). Collection method: clinical testing. Allele origin: unknown.
Comment: This variant is considered benign. This variant is a silent/synonymous amino acid change and it is not expected to impact splicing.